The following is an entry in ClinVar:

NM_003924.4(PHOX2B):c.529G>C (p.Asp177His)

Gene: PHOX2B (paired like homeobox 2B; minus strand). Cytogenetic location: 4p13.
Variant type: single nucleotide variant.
Coding change: c.529G>C on transcript NM_003924.4 (MANE Select); coding-DNA position 529, G replaced by C.
Protein change: p.Asp177His; replaces aspartic acid 177 with histidine.
Molecular consequence: missense variant.
Genome position (GRCh38, 1-based): chr4:41,746,223, C>G on the plus strand (G>C on the coding strand, the complement: PHOX2B is on the minus strand). VCF-style: chr4-41746223-C-G. GRCh37 (hg19) VCF-style: chr4-41748240-C-G.
Other names: short protein forms D177H.
Identifiers: ClinVar variation 5026529 (VCV005026529.1).

ClinVar aggregate classification (germline): Uncertain significance (1 of 4 stars; one submission).

Conditions:
Hereditary cancer-predisposing syndrome. Also called: Neoplastic Syndromes, Hereditary; Tumor predisposition; Hereditary neoplastic syndrome; Hereditary Cancer Syndrome. Identifiers: Orphanet 140162, MedGen C0027672, MeSH D009386, MONDO:0015356.

Submission:

Ambry Genetics
Classification: Uncertain significance for Hereditary cancer-predisposing syndrome. Last evaluated: 2026-07-06. Review status: criteria provided, single submitter. Criteria: Ambry Variant Classification Scheme 2023. Collection method: clinical testing. Allele origin: germline.
Comment: The p.D177H variant (also known as c.529G>C), located in coding exon 3 of the PHOX2B gene, results from a G to C substitution at nucleotide position 529. The aspartic acid at codon 177 is replaced by histidine, an amino acid with similar properties. This amino acid position is conserved. In addition, this alteration is predicted to be tolerated by in silico analysis. Based on the available evidence, the clinical significance of this variant remains unclear.